The following is an entry in ClinVar:

ClinVar aggregate classification (germline): Uncertain significance. Review status: criteria provided, multiple submitters, no conflicts (2 of 4 stars). 6 submissions from 6 submitters: Uncertain significance (5). 1 of the submissions does not count toward it. Last evaluated 2026-02-12.

Conditions:
Inborn genetic diseases. Identifiers: MedGen C0950123, MeSH D030342.
Usher syndrome type 1 (USH1). Also called: RETINITIS PIGMENTOSA AND CONGENITAL DEAFNESS. Identifiers: Orphanet 231169, Orphanet 886, MedGen C1568247, MONDO:0010168, OMIM 276900.
Autosomal recessive nonsyndromic hearing loss 18A. Also called: DEAFNESS, AUTOSOMAL RECESSIVE 18; Deafness, autosomal recessive 18A. Identifiers: Orphanet 90636, MedGen C1865870, MONDO:0011192, OMIM 602092.
Usher syndrome type 1C. Also called: USHER SYNDROME, TYPE I, ACADIAN VARIETY. Identifiers: Orphanet 231169, Orphanet 886, MedGen C1848604, MONDO:0010171, OMIM 276904.

Allele frequency attached by ClinVar (database versions not stated): TOPMed 0.00006; gnomAD 0.00001; ExAC 0.00012; gnomAD exomes 0.00012.
gnomAD v4.1: 54 of 1,612,930 alleles (0.0033%); highest among the groups gnomAD compares: Admixed American, 0.043%; no homozygotes.

Submissions (6):

GeneDx
Classification: Uncertain significance. Last evaluated: 2026-02-12. Review status: criteria provided, single submitter. Criteria: GeneDx Variant Classification Process June 2021. Collection method: clinical testing. Allele origin: germline.
Comment: In silico analysis supports that this missense variant does not alter protein structure/function; Has not been previously published as pathogenic or benign to our knowledge

Ambry Genetics
Classification: Uncertain significance for Inborn genetic diseases. Last evaluated: 2025-11-19. Review status: criteria provided, single submitter. Criteria: Ambry Variant Classification Scheme 2023. Collection method: clinical testing. Allele origin: germline.

Blueprint Genetics
Classification: Uncertain significance. Last evaluated: 2023-07-20. Review status: criteria provided, single submitter. Criteria: ACMG Guidelines, 2015. Collection method: clinical testing. Allele origin: germline.

Labcorp Genetics (formerly Invitae), Labcorp
Classification: Uncertain significance. Last evaluated: 2022-08-19. Review status: criteria provided, single submitter. Criteria: Invitae Variant Classification Sherloc (09022015). Collection method: clinical testing. Allele origin: germline.
Comment: This sequence change replaces arginine, which is basic and polar, with histidine, which is basic and polar, at codon 457 of the USH1C protein (p.Arg457His). This variant is present in population databases (rs753703742, gnomAD 0.05%). This variant has not been reported in the literature in individuals affected with USH1C-related conditions. ClinVar contains an entry for this variant (Variation ID: 992075). Algorithms developed to predict the effect of missense changes on protein structure and function are either unavailable or do not agree on the potential impact of this missense change (SIFT: "Deleterious"; PolyPhen-2: "Possibly Damaging"; Align-GVGD: "Class C0"). In summary, the available evidence is currently insufficient to determine the role of this variant in disease. Therefore, it has been classified as a Variant of Uncertain Significance.

Fulgent Genetics
Classification: Uncertain significance for Usher syndrome type 1; Usher syndrome type 1C; Autosomal recessive nonsyndromic hearing loss 18A. Last evaluated: 2022-04-18. Review status: criteria provided, single submitter. Criteria: ACMG Guidelines, 2015. Collection method: clinical testing. Allele origin: unknown.

Natera, Inc.
Classification: Uncertain significance for Usher syndrome type 1C. Last evaluated: 2020-04-11. Review status: no assertion criteria provided. Collection method: clinical testing. Allele origin: germline. Not counted in ClinVar's aggregate classification.

NM_153676.4(USH1C):c.2270G>A (p.Arg757His)

Gene: USH1C (USH1 protein network component harmonin; minus strand). Cytogenetic location: 11p15.1.
Variant type: single nucleotide variant.
Coding change: c.2270G>A on transcript NM_153676.4 (MANE Select); coding-DNA position 2270, G replaced by A.
Protein change: p.Arg757His; replaces arginine 757 with histidine.
Molecular consequence: missense variant. On other transcripts: non-coding transcript variant (1).
Genome position (GRCh38, 1-based): chr11:17,501,492, C>T on the plus strand (G>A on the coding strand, the complement: USH1C is on the minus strand). VCF-style: chr11-17501492-C-T. GRCh37 (hg19) VCF-style: chr11-17523039-C-T.
Other names: c.1313G>A, p.Arg438His (NM_001297764.2); c.1370G>A, p.Arg457His (NM_005709.4); c.1370G>A (NM_005709.3); short protein forms R438H, R457H, R757H.
Identifiers: ClinVar variation 992075 (VCV000992075.7), dbSNP rs753703742, ClinGen allele CA5904254.